The following is an entry in ClinVar:

ClinVar aggregate classification (germline): Uncertain significance. Review status: criteria provided, multiple submitters, no conflicts (2 of 4 stars). 2 submissions from 2 submitters: Uncertain significance (2). Last evaluated 2025-01-13.

Conditions:
Cardiovascular phenotype. Identifiers: MedGen CN230736.
Desmin-related myofibrillar myopathy (MFM1). Also called: Desminopathy; Desmin related myopathy (former name); Desmin storage myopathy (former name); MYOFIBRILLAR MYOPATHY WITH ARRHYTHMOGENIC RIGHT VENTRICULAR CARDIOMYOPATHY; DESMIN-RELATED MYOPATHY WITH ARRHYTHMOGENIC RIGHT VENTRICULAR CARDIOMYOPATHY; Myofibrillar myopathy 1. Identifiers: Orphanet 363543, Orphanet 98909, MedGen C1832370, MONDO:0011076, OMIM 601419.

Allele frequency attached by ClinVar (database versions not stated): gnomAD exomes below 0.00001; TOPMed 0.00001.
gnomAD v4.1: 1 of 1,614,198 alleles (0.000062%); highest among the groups gnomAD compares: Non-Finnish European, 0.000085%; no homozygotes.

Submissions (2):

Ambry Genetics
Classification: Uncertain significance for Cardiovascular phenotype. Last evaluated: 2025-01-13. Review status: criteria provided, single submitter. Criteria: Ambry Variant Classification Scheme 2023. Collection method: clinical testing. Allele origin: germline.
Comment: The c.639+4A>G intronic variant results from an A to G substitution 4 nucleotides after coding exon 2 in the DES gene. This nucleotide position is well conserved in available vertebrate species. In silico splice site analysis predicts that this alteration will not have any significant effect on splicing. Based on the available evidence, the clinical significance of this variant remains unclear.

Labcorp Genetics (formerly Invitae), Labcorp
Classification: Uncertain significance for Desmin-related myofibrillar myopathy. Last evaluated: 2024-08-14. Review status: criteria provided, single submitter. Criteria: Invitae Variant Classification Sherloc (09022015). Collection method: clinical testing. Allele origin: germline.
Comment: This sequence change falls in intron 2 of the DES gene. It does not directly change the encoded amino acid sequence of the DES protein. It affects a nucleotide within the consensus splice site. This variant is not present in population databases (gnomAD no frequency). This variant has not been reported in the literature in individuals affected with DES-related conditions. Variants that disrupt the consensus splice site are a relatively common cause of aberrant splicing (PMID: 17576681, 9536098). Algorithms developed to predict the effect of sequence changes on RNA splicing suggest that this variant is not likely to affect RNA splicing. In summary, the available evidence is currently insufficient to determine the role of this variant in disease. Therefore, it has been classified as a Variant of Uncertain Significance.

Literature cited by the submitters: PubMed 17576681 (cited by Labcorp Genetics (formerly Invitae), Labcorp); PubMed 9536098 (cited by Labcorp Genetics (formerly Invitae), Labcorp).

NM_001927.4(DES):c.639+4A>G

Gene: DES (desmin; plus strand). Cytogenetic location: 2q35.
Variant type: single nucleotide variant.
Coding change: c.639+4A>G on transcript NM_001927.4 (MANE Select); 4 bases into the intron after coding-DNA position 639, A replaced by G.
Molecular consequence: intron variant.
Genome position (GRCh38, 1-based): chr2:219,420,159, A>G. VCF-style: chr2-219420159-A-G. GRCh37 (hg19) VCF-style: chr2-220284881-A-G.
Other names: c.639+4A>G (NM_001927.3, NM_001382712.1, NM_001382711.1 and 2 more transcripts); c.636+7A>G (NM_001382708.1); c.496-366A>G (NM_001382713.1).
Identifiers: ClinVar variation 2924619 (VCV002924619.4), dbSNP rs1954407646, ClinGen allele CA1329210665.